The following is an entry in ClinVar:

ClinVar aggregate classification (germline): Uncertain significance (1 of 4 stars; one submission).

Conditions:
Microcephaly-intellectual disability-sensorineural hearing loss-epilepsy-abnormal muscle tone syndrome (NEDHSB). Also called: NEURODEVELOPMENTAL DISORDER WITH HEARING LOSS, SEIZURES, AND BRAIN ABNORMALITIES. Identifiers: Orphanet 457351, MedGen C4225276, MONDO:0014698, OMIM 616577.

gnomAD v4.1: 2 of 1,595,956 alleles (0.00013%); highest among the groups gnomAD compares: Admixed American, 0.0034%; no homozygotes.

Submission:

Labcorp Genetics (formerly Invitae), Labcorp
Classification: Uncertain significance for Microcephaly-intellectual disability-sensorineural hearing loss-epilepsy-abnormal muscle tone syndrome. Last evaluated: 2022-06-27. Review status: criteria provided, single submitter. Criteria: Invitae Variant Classification Sherloc (09022015). Collection method: clinical testing. Allele origin: germline.
Comment: In summary, the available evidence is currently insufficient to determine the role of this variant in disease. Therefore, it has been classified as a Variant of Uncertain Significance. Advanced modeling of protein sequence and biophysical properties (such as structural, functional, and spatial information, amino acid conservation, physicochemical variation, residue mobility, and thermodynamic stability) performed at Invitae indicates that this missense variant is expected to disrupt SPATA5 protein function. This variant has not been reported in the literature in individuals affected with SPATA5-related conditions. This variant is present in population databases (no rsID available, gnomAD 0.006%). This sequence change replaces glycine, which is neutral and non-polar, with valine, which is neutral and non-polar, at codon 176 of the SPATA5 protein (p.Gly176Val).

NM_145207.3(AFG2A):c.527G>T (p.Gly176Val)

Gene: AFG2A (AFG2 AAA ATPase homolog A; plus strand). Cytogenetic location: 4q28.1.
Variant type: single nucleotide variant.
Coding change: c.527G>T on transcript NM_145207.3 (MANE Select); coding-DNA position 527, G replaced by T.
Protein change: p.Gly176Val; replaces glycine 176 with valine.
Molecular consequence: missense variant.
Genome position (GRCh38, 1-based): chr4:122,934,118, G>T. VCF-style: chr4-122934118-G-T. GRCh37 (hg19) VCF-style: chr4-123855273-G-T.
Other names: c.524G>T, p.Gly175Val (NM_001317799.2, NM_001345856.2); short protein forms G175V, G176V.
Identifiers: ClinVar variation 2425904 (VCV002425904.6), dbSNP rs1320376844, ClinGen allele CA358101332.